The following is an entry in ClinVar:

NM_001257096.2(PAX1):c.986C>G (p.Thr329Arg)

Gene: PAX1 (paired box 1; plus strand). Cytogenetic location: 20p11.22.
Variant type: single nucleotide variant.
Coding change: c.986C>G on transcript NM_001257096.2 (MANE Select); coding-DNA position 986, C replaced by G.
Protein change: p.Thr329Arg; replaces threonine 329 with arginine.
Molecular consequence: missense variant.
Genome position (GRCh38, 1-based): chr20:21,708,627, C>G. VCF-style: chr20-21708627-C-G. GRCh37 (hg19) VCF-style: chr20-21689265-C-G.
Other names: c.986C>G, p.Thr329Arg (NM_006192.5); c.986C>G (NM_006192.3); short protein forms T329R.
Identifiers: ClinVar variation 1031026 (VCV001031026.2), dbSNP rs764254894, ClinGen allele CA9786643.
Genomic context (GRCh38, chr20:21,708,627, plus strand): 5'-CTGGGAGCGAAGGCACCGCTTACTCTCCCAAGATGGAAGACTGGGCCGGCGTGAACCGCA[C>G]GGCCTTCCCCGCCACCCCCGCAGTGAATGGGCTAGAGAAACCTGCCTTAGAGGCAGACAT-3'
Protein context (NP_001244025.1, residues 319-339): KMEDWAGVNR[Thr329Arg]AFPATPAVNG

ClinVar aggregate classification (germline): Uncertain significance. Review status: criteria provided, multiple submitters, no conflicts (2 of 4 stars). 2 submissions from 2 submitters: Uncertain significance (2). Last evaluated 2025-05-19.

Conditions:
Inborn genetic diseases. Identifiers: MedGen C0950123, MeSH D030342.
Otofaciocervical syndrome 2 (OTFCS2). Also called: OTOFACIOCERVICAL SYNDROME 2, WITH T-CELL DEFICIENCY. Identifiers: MedGen C5442121, MONDO:0014254, OMIM 615560.

gnomAD v4.1: 3 of 1,613,466 alleles (0.00019%); highest among the groups gnomAD compares: South Asian, 0.0022%; no homozygotes.

Submissions (2):

Ambry Genetics
Classification: Uncertain significance for Inborn genetic diseases. Last evaluated: 2025-05-19. Review status: criteria provided, single submitter. Criteria: Ambry Variant Classification Scheme 2023. Collection method: clinical testing. Allele origin: germline.

Baylor Genetics
Classification: Uncertain significance for Otofaciocervical syndrome 2. Last evaluated: 2019-12-07. Review status: criteria provided, single submitter. Criteria: ACMG Guidelines, 2015. Collection method: clinical testing. Allele origin: unknown. Affected: yes.
Comment: This variant was determined to be of uncertain significance according to ACMG Guidelines, 2015 [PMID:25741868].